The following is an entry in ClinVar:

ClinVar aggregate classification (germline): Uncertain significance (1 of 4 stars; one submission).

Conditions:
Hereditary breast ovarian cancer syndrome. Also called: Hereditary breast and/or ovarian cancer syndrome; Hereditary breast and ovarian cancer syndrome; Hereditary breast and ovarian cancer syndrome (HBOC); Breast and ovarian cancer; BRCA1- and BRCA2-Associated Hereditary Breast and Ovarian Cancer; Hereditary breast and ovarian cancer. Identifiers: Orphanet 145, MedGen C0677776, MeSH D061325, MONDO:0003582. Disease mechanism: loss of function.

Submission:

Labcorp Genetics (formerly Invitae), Labcorp
Classification: Uncertain significance for Hereditary breast ovarian cancer syndrome. Last evaluated: 2019-08-08. Review status: criteria provided, single submitter. Criteria: Invitae Variant Classification Sherloc (09022015). Collection method: clinical testing. Allele origin: germline.
Comment: In summary, the available evidence is currently insufficient to determine the role of this variant in disease. Therefore, it has been classified as a Variant of Uncertain Significance. Algorithms developed to predict the effect of missense changes on protein structure and function output the following: SIFT: "Tolerated"; PolyPhen-2: "Benign"; Align-GVGD: "Class C0". The asparagine amino acid residue is found in multiple mammalian species, suggesting that this missense change does not adversely affect protein function. These predictions have not been confirmed by published functional studies and their clinical significance is uncertain. This variant has not been reported in the literature in individuals with BRCA2-related conditions. This variant is not present in population databases (ExAC no frequency). This sequence change replaces lysine with asparagine at codon 2741 of the BRCA2 protein (p.Lys2741Asn). The lysine residue is weakly conserved and there is a moderate physicochemical difference between lysine and asparagine.

NM_000059.4(BRCA2):c.8223G>C (p.Lys2741Asn)

Gene: BRCA2 (BRCA2 DNA repair associated; plus strand). Cytogenetic location: 13q13.1.
Variant type: single nucleotide variant.
Coding change: c.8223G>C on transcript NM_000059.4 (MANE Select); coding-DNA position 8223, G replaced by C.
Protein change: p.Lys2741Asn; replaces lysine 2741 with asparagine.
Molecular consequence: missense variant.
Genome position (GRCh38, 1-based): chr13:32,363,425, G>C. VCF-style: chr13-32363425-G-C. GRCh37 (hg19) VCF-style: chr13-32937562-G-C.
Other names: short protein forms K2741N.
Identifiers: ClinVar variation 949799 (VCV000949799.10), dbSNP rs2072759313, ClinGen allele CA387749826.